The following is an entry in ClinVar:

ClinVar aggregate classification (germline): Uncertain significance (1 of 4 stars; one submission).

Conditions:
Fanconi anemia complementation group A (FANCA). Also called: Fanconi anemia, group A; FANCA-Related Fanconi Anemia. Identifiers: Orphanet 84, MedGen C3469521, MONDO:0009215, OMIM 227650.

gnomAD v4.1: 1 of 1,478,300 alleles (0.000068%); highest among the groups gnomAD compares: African/African-American, 0.0014%; no homozygotes.

Submission:

Juno Genomics, Hangzhou Juno Genomics, Inc
Classification: Uncertain significance for Fanconi anemia complementation group A. Review status: criteria provided, single submitter. Criteria: ACMG Guidelines, 2015. Collection method: clinical testing. Allele origin: germline.
Comment: Absent from controls (or at extremely low frequency if recessive) in Genome Aggregation Database.;Multiple lines of computational evidence support a deleterious effect on the gene or gene product.

NM_000135.4(FANCA):c.2778+87G>A

Gene: FANCA (FA complementation group A; minus strand). Cytogenetic location: 16q24.3.
Variant type: single nucleotide variant.
Coding change: c.2778+87G>A on transcript NM_000135.4 (MANE Select); 87 bases into the intron after coding-DNA position 2778, G replaced by A.
Molecular consequence: intron variant.
Genome position (GRCh38, 1-based): chr16:89,764,803, C>T on the plus strand (G>A on the coding strand, the complement: FANCA is on the minus strand). VCF-style: chr16-89764803-C-T. GRCh37 (hg19) VCF-style: chr16-89831211-C-T.
Other names: c.2778+87G>A (NM_001286167.3).
Identifiers: ClinVar variation 5019287 (VCV005019287.2).